The following is an entry in ClinVar:

ClinVar aggregate classification (germline): Pathogenic (1 of 4 stars; one submission).

Conditions:
Intellectual developmental disorder with autism and macrocephaly. Also called: CHD8-Related Neurodevelopmental Disorder with Overgrowth; Autism, susceptibility to, 18. Identifiers: Orphanet 642675, MedGen C3554373, MONDO:0014017, OMIM 615032.

Submission:

Institute of Immunology and Genetics Kaiserslautern
Classification: Pathogenic for Intellectual developmental disorder with autism and macrocephaly. Last evaluated: 2024-12-13. Review status: criteria provided, single submitter. Criteria: ACMG Guidelines, 2015. Collection method: clinical testing. Allele origin: de novo. Affected: yes.
Comment: ACMG Criteria: PVS1, PS2, PM2; Variant was found in heterozygous state. De novo-status was confirmed via in-house segregation analysis.

NM_001170629.2(CHD8):c.4559del (p.Gln1520fs)

Gene: CHD8 (chromodomain helicase DNA binding protein 8; minus strand). Cytogenetic location: 14q11.2.
Variant type: Deletion.
Coding change: c.4559del on transcript NM_001170629.2 (MANE Select); coding-DNA position 4559, one base deleted (A; older notation c.4559delA).
Protein change: p.Gln1520fs; shifts the reading frame from glutamine 1520.
Molecular consequence: frameshift variant.
Genome position (GRCh38, 1-based): chr14:21,400,424, T deleted on the plus strand (A on the coding strand, the reverse complement: CHD8 is on the minus strand). VCF-style (leftmost placement, unchanged base first): chr14-21400423-CT-C. GRCh37 (hg19) VCF-style: chr14-21868582-CT-C.
Other names: c.3722del, p.Gln1241fs (NM_020920.4); short protein forms Q1241fs, Q1520fs.
Identifiers: ClinVar variation 3897548 (VCV003897548.1).